The following is an entry in ClinVar:

NM_017780.4(CHD7):c.951C>T (p.Asn317=)

Gene: CHD7 (chromodomain helicase DNA binding protein 7; plus strand). Cytogenetic location: 8q12.2.
Variant type: single nucleotide variant.
Coding change: c.951C>T on transcript NM_017780.4 (MANE Select); coding-DNA position 951, C replaced by T.
Protein change: p.Asn317=; no amino-acid change (asparagine 317 retained).
Molecular consequence: synonymous variant.
Genome position (GRCh38, 1-based): chr8:60,742,383, C>T. VCF-style: chr8-60742383-C-T. GRCh37 (hg19) VCF-style: chr8-61654942-C-T.
Other names: c.951C>T, p.Asn317= (NM_001316690.1).
Identifiers: ClinVar variation 765707 (VCV000765707.11), dbSNP rs770785044, ClinGen allele CA4759407.

ClinVar aggregate classification (germline): Likely benign. Review status: criteria provided, multiple submitters, no conflicts (2 of 4 stars). 2 submissions from 2 submitters: Likely benign (2). Last evaluated 2026-04-01.

Conditions:
CHARGE syndrome (CHARGE). Also called: Hittner Hirsch Kreh syndrome; CHARGE ASSOCIATION--COLOBOMA, HEART ANOMALY, CHOANAL ATRESIA, RETARDATION, GENITAL AND EAR ANOMALIES; Coloboma, heart anomaly, choanal atresia, retardation, genital and ear anomalies; CHARGE association; Hall-Hittner syndrome. Identifiers: Orphanet 138, MedGen C0265354, MONDO:0008965.

Allele frequency attached by ClinVar (database versions not stated): gnomAD exomes below 0.00001 and 0.00001; ExAC 0.00001.
gnomAD v4.1: 8 of 1,613,966 alleles (0.0005%); highest among the groups gnomAD compares: South Asian, 0.0011%; no homozygotes.

Submissions (2):

CeGaT Center for Human Genetics Tuebingen
Classification: Likely benign. Last evaluated: 2026-04-01. Review status: criteria provided, single submitter. Criteria: CeGaT Center For Human Genetics Tuebingen Variant Classification Criteria Version 2. Collection method: clinical testing. Allele origin: germline. Affected: yes. Observed: 1 variant allele.
Comment: CHD7: BP4, BP7

Labcorp Genetics (formerly Invitae), Labcorp
Classification: Likely benign for CHARGE syndrome. Last evaluated: 2025-08-15. Review status: criteria provided, single submitter. Criteria: Invitae Variant Classification Sherloc (09022015). Collection method: clinical testing. Allele origin: germline.